The following is an entry in ClinVar:

NM_005357.4(LIPE):c.3079C>A (p.Leu1027Met)

Genes: LIPE (lipase E, hormone sensitive type; minus strand), LIPE-AS1 (LIPE antisense RNA 1; plus strand), LOC101930071 (uncharacterized LOC101930071; plus strand). Cytogenetic location: 19q13.2.
Variant type: single nucleotide variant.
Coding change: c.3079C>A on transcript NM_005357.4 (MANE Select); coding-DNA position 3079, C replaced by A.
Protein change: p.Leu1027Met; replaces leucine 1027 with methionine.
Molecular consequence: missense variant.
Genome position (GRCh38, 1-based): chr19:42,401,964, G>T on the plus strand (C>A on the coding strand, the complement: LIPE is on the minus strand). VCF-style: chr19-42401964-G-T. GRCh37 (hg19) VCF-style: chr19-42906116-G-T.
Other names: c.2329C>A, p.Leu777Met (NM_001416100.1); c.2314C>A, p.Leu772Met (NM_001416101.1); c.2209C>A, p.Leu737Met (NM_001416102.1); c.2176C>A, p.Leu726Met (NM_001416103.1, NM_001416104.1); c.2086C>A, p.Leu696Met (NM_001416105.1); c.1981C>A, p.Leu661Met (NM_001416106.1); c.1492C>A, p.Leu498Met (NM_001416107.1); c.1438C>A, p.Leu480Met (NM_001416108.1); and 1 more; short protein forms L1027M, L480M, L498M, L661M, L696M, L726M, L737M, L772M.
Identifiers: ClinVar variation 3236616 (VCV003236616.2), dbSNP rs2039987253, ClinGen allele CA406088501.

ClinVar aggregate classification (germline): Uncertain significance. Review status: criteria provided, multiple submitters, no conflicts (2 of 4 stars). 2 submissions from 2 submitters: Uncertain significance (2). Last evaluated 2025-03-28.

Conditions:
LIPE-related familial partial lipodystrophy. Also called: LIPODYSTROPHY, FAMILIAL PARTIAL, ASSOCIATED WITH LIPE MUTATIONS; Familial partial lipodystrophy 6. Identifiers: Orphanet 435660, MedGen C4014869, MONDO:0014431, OMIM 615980.
Inborn genetic diseases. Identifiers: MedGen C0950123, MeSH D030342.

gnomAD v4.1: 2 of 1,557,866 alleles (0.00013%); highest among the groups gnomAD compares: Non-Finnish European, 0.00017%; no homozygotes.

Submissions (2):

Ambry Genetics
Classification: Uncertain significance for Inborn genetic diseases. Last evaluated: 2025-03-28. Review status: criteria provided, single submitter. Criteria: Ambry Variant Classification Scheme 2023. Collection method: clinical testing. Allele origin: germline.

Clinical Genomics Laboratory, Washington University in St. Louis
Classification: Uncertain significance for LIPE-related familial partial lipodystrophy. Last evaluated: 2024-01-11. Review status: criteria provided, single submitter. Criteria: ACMG Guidelines, 2015. Collection method: clinical testing. Allele origin: germline.
Comment: The LIPE c.3079C>A (p.Leu1027Met) variant, to our knowledge, has not been reported in the medical literature and is absent from the general population (gnomAD v.2.1.1), indicating it is not a common variant. Computational predictors are uncertain as to the impact of this variant on LIPE function. Due to limited information, and based on ACMG/AMP guidelines for variant interpretation (Richards S et al., PMID: 25741868), the clinical significance of this variant is uncertain at this time.